The following is an entry in ClinVar:

ClinVar aggregate classification (germline): Pathogenic/Likely pathogenic. Review status: criteria provided, multiple submitters, no conflicts (2 of 4 stars). 5 submissions from 5 submitters: Pathogenic (3); Likely pathogenic (2). Last evaluated 2026-08-20.

Conditions:
KCNV2-related disorder. Also called: KCNV2-related condition.
Cone dystrophy with supernormal rod response (CDSRR). Also called: CONE DYSTROPHY WITH SUPERNORMAL ROD RESPONSES. Identifiers: Orphanet 209932, MedGen C1835897, MONDO:0012475, OMIM 610356.

Submissions (5):

Department of Human Genetics, University Hospital Bern, Inselspital
Classification: Pathogenic for Cone dystrophy with supernormal rod response. Last evaluated: 2026-08-20. Review status: criteria provided, single submitter. Criteria: ACMG Guidelines, 2015. Collection method: clinical testing. Allele origin: maternal. Affected: yes. Observed: 1 variant allele.
Comment: The variant leads to a premature stop codon and likely to nonsense-mediated mRNA decay. It is listed in gnomAD v4.1 with an allele frequency of 0.00019% and has been reported in the literature in at least two individuals (PMID: 33546218).

Dasa
Classification: Likely pathogenic. Last evaluated: 2025-04-01. Review status: criteria provided, single submitter. Criteria: DASA Assertion Criteria. Collection method: clinical testing. Allele origin: germline.
Comment: NM_133497.4(KCNV2):c.1096del (p.Val366Trpfs*88) is a frameshift variant in KCNV2 predicted to alter the reading frame and introduce a premature termination codon and is predicted to result in an absent or altered protein product. Loss of function is an established disease mechanism for KCNV2-associated disorders. This variant has been reported in individuals with KCNV2-related disorders (PMID: 33546218). Also, this variant is rare in population databases. Based on the currently available evidence, this variant is classified as likely pathogenic.

Blueprint Genetics
Classification: Pathogenic for KCNV2-related disorders. Last evaluated: 2023-05-19. Review status: criteria provided, single submitter. Criteria: ACMG Guidelines, 2015. Collection method: clinical testing. Allele origin: germline. Affected: yes. Observed: 2 variant alleles.

Labcorp Genetics (formerly Invitae), Labcorp
Classification: Pathogenic. Last evaluated: 2022-10-05. Review status: criteria provided, single submitter. Criteria: Invitae Variant Classification Sherloc (09022015). Collection method: clinical testing. Allele origin: germline.
Comment: This sequence change creates a premature translational stop signal (p.Val366Trpfs*88) in the KCNV2 gene. While this is not anticipated to result in nonsense mediated decay, it is expected to disrupt the last 180 amino acid(s) of the KCNV2 protein. This variant is not present in population databases (gnomAD no frequency). This premature translational stop signal has been observed in individual(s) with KCNV2-related conditions (PMID: 33546218). ClinVar contains an entry for this variant (Variation ID: 1048137). This variant disrupts a region of the KCNV2 protein in which other variant(s) (p.Leu469Trpfs*35) have been determined to be pathogenic (PMID: 18400204). This suggests that this is a clinically significant region of the protein, and that variants that disrupt it are likely to be disease-causing. For these reasons, this variant has been classified as Pathogenic.

Institute of Medical Molecular Genetics, University of Zurich
Classification: Likely pathogenic for Cone dystrophy with supernormal rod response. Last evaluated: 2021-01-30. Review status: criteria provided, single submitter. Criteria: ACMG Guidelines, 2015. Collection method: clinical testing. Allele origin: germline. Affected: yes.

Literature cited by the submitters: PubMed 33546218 (cited by 3 submitters); PubMed 18400204 (cited by Labcorp Genetics (formerly Invitae), Labcorp).

NM_133497.4(KCNV2):c.1096del (p.Val366fs)

Gene: KCNV2 (potassium voltage-gated channel modifier subfamily V member 2; plus strand). Cytogenetic location: 9p24.2.
Variant type: Deletion.
Coding change: c.1096del on transcript NM_133497.4 (MANE Select); coding-DNA position 1096, one base deleted (G; older notation c.1096delG).
Protein change: p.Val366fs; shifts the reading frame from valine 366.
Molecular consequence: frameshift variant.
Genome position (GRCh38, 1-based): chr9:2,718,835, G deleted; the last of 2 consecutive G bases (chr9:2,718,834-2,718,835); deleting either gives the same sequence. VCF-style (leftmost placement, unchanged base first): chr9-2718833-CG-C. GRCh37 (hg19) VCF-style: chr9-2718833-CG-C.
Other names: short protein forms V366fs.
Identifiers: ClinVar variation 1048137 (VCV001048137.8), dbSNP rs1486482604, ClinGen allele CA862716743.